The following is an entry in ClinVar:

ClinVar aggregate classification (germline): Uncertain significance. Review status: criteria provided, multiple submitters, no conflicts (2 of 4 stars). 2 submissions from 2 submitters: Uncertain significance (2). Last evaluated 2026-06-17.

Conditions:
Hereditary cancer-predisposing syndrome. Also called: Tumor predisposition; Hereditary Cancer Syndrome; Hereditary neoplastic syndrome; Neoplastic Syndromes, Hereditary. Identifiers: Orphanet 140162, MedGen C0027672, MeSH D009386, MONDO:0015356.
Hereditary breast ovarian cancer syndrome. Also called: Hereditary breast and/or ovarian cancer syndrome; Hereditary breast and ovarian cancer syndrome; BRCA1- and BRCA2-Associated Hereditary Breast and Ovarian Cancer; Breast and ovarian cancer; Hereditary breast and ovarian cancer; Hereditary breast and ovarian cancer syndrome (HBOC). Identifiers: Orphanet 145, MedGen C0677776, MeSH D061325, MONDO:0003582. Disease mechanism: loss of function.

Allele frequency attached by ClinVar (database versions not stated): gnomAD exomes below 0.00001.
gnomAD v4.1: 1 of 1,613,812 alleles (0.000062%); highest among the groups gnomAD compares: Non-Finnish European, 0.000085%; no homozygotes.

Submissions (2):

Ambry Genetics
Classification: Uncertain significance for Hereditary cancer-predisposing syndrome. Last evaluated: 2026-06-17. Review status: criteria provided, single submitter. Criteria: Ambry Variant Classification Scheme 2023. Collection method: clinical testing. Allele origin: germline.
Comment: The p.N2427H variant (also known as c.7279A>C), located in coding exon 13 of the BRCA2 gene, results from an A to C substitution at nucleotide position 7279. The asparagine at codon 2427 is replaced by histidine, an amino acid with similar properties. This amino acid position is not well conserved in available vertebrate species. In addition, this alteration is predicted to be tolerated by in silico analysis. Based on the available evidence, the clinical significance of this variant remains unclear.

Labcorp Genetics (formerly Invitae), Labcorp
Classification: Uncertain significance for Hereditary breast ovarian cancer syndrome. Last evaluated: 2024-02-23. Review status: criteria provided, single submitter. Criteria: Invitae Variant Classification Sherloc (09022015). Collection method: clinical testing. Allele origin: germline.
Comment: This sequence change replaces asparagine, which is neutral and polar, with histidine, which is basic and polar, at codon 2427 of the BRCA2 protein (p.Asn2427His). This variant is not present in population databases (gnomAD no frequency). This variant has not been reported in the literature in individuals affected with BRCA2-related conditions. ClinVar contains an entry for this variant (Variation ID: 1034598). Advanced modeling of protein sequence and biophysical properties (such as structural, functional, and spatial information, amino acid conservation, physicochemical variation, residue mobility, and thermodynamic stability) performed at Invitae indicates that this missense variant is not expected to disrupt BRCA2 protein function with a negative predictive value of 95%. In summary, the available evidence is currently insufficient to determine the role of this variant in disease. Therefore, it has been classified as a Variant of Uncertain Significance.

NM_000059.4(BRCA2):c.7279A>C (p.Asn2427His)

Gene: BRCA2 (BRCA2 DNA repair associated; plus strand). Cytogenetic location: 13q13.1.
Variant type: single nucleotide variant.
Coding change: c.7279A>C on transcript NM_000059.4 (MANE Select); coding-DNA position 7279, A replaced by C.
Protein change: p.Asn2427His; replaces asparagine 2427 with histidine.
Molecular consequence: missense variant.
Genome position (GRCh38, 1-based): chr13:32,355,132, A>C. VCF-style: chr13-32355132-A-C. GRCh37 (hg19) VCF-style: chr13-32929269-A-C.
Other names: c.7279A>C (NM_000059.3); short protein forms N2427H.
Identifiers: ClinVar variation 1034598 (VCV001034598.10), dbSNP rs2072681789, ClinGen allele CA387740682.